The following is an entry in ClinVar:

ClinVar aggregate classification (germline): Pathogenic/Likely pathogenic. Review status: criteria provided, multiple submitters, no conflicts (2 of 4 stars). 2 submissions from 2 submitters: Pathogenic (1); Likely pathogenic (1). Last evaluated 2020-02-26.

Conditions:
Duchenne muscular dystrophy (DMD). Also called: MUSCULAR DYSTROPHY, PSEUDOHYPERTROPHIC PROGRESSIVE, DUCHENNE TYPE; Duchenne Muscular Dystrophy (DMD). Identifiers: Orphanet 98896, MedGen C0013264, MONDO:0010679, OMIM 310200.

Submissions (2):

ARUP Laboratories, Molecular Genetics and Genomics, ARUP Laboratories
Classification: Likely pathogenic. Last evaluated: 2020-02-26. Review status: criteria provided, single submitter. Criteria: ARUP Molecular Germline Variant Investigation Process. Collection method: clinical testing. Allele origin: germline.
Comment: The DMD c.44delA; p.Asp15ValfsTer11 variant, to our knowledge, is not reported in the medical literature or gene specific databases. This variant is also absent from general population databases (Exome Variant Server, Genome Aggregation Database), indicating it is not a common polymorphism. This variant causes a frameshift by deleting a single nucleotide. Although such variants often result in a truncated protein or mRNA subject to nonsense-mediated decay, due to its early occurrence in the gene a downstream alternative start codon is a possibility. Witting et al (2013) identified a similar variant, p.Gln17Ter, in a patient with Becker muscular dystrophy and quantified a normal amount of mRNA transcripts. Without functional studies, the specific effect of c.44delA is uncertain. However, several nearby truncating variants have been described in individuals with Duchenne and Becker muscular dystrophy and are considered pathogenic (Juan-Mateu 2013, Taylor 2007, Witting 2013). Based on available information, the c.44delA variant is considered to be likely pathogenic. References: Juan-Mateu J et al. Interplay between DMD point mutations and splicing signals in Dystrophinopathy phenotypes. PLoS One. 2013;8(3):e59916. Taylor PJ et al. Measurement of the clinical utility of a combined mutation detection protocol in carriers of Duchenne and Becker muscular dystrophy. J Med Genet. 2007 Jun;44(6):368-72. Witting N et al. Becker muscular dystrophy with widespread muscle hypertrophy and a non-sense mutation of exon 2. Neuromuscul Disord. 2013 Jan;23(1):25-8.

Centro de Genética y Biología Molecular, Universidad de San Martín de Porres
Classification: Pathogenic for Duchenne muscular dystrophy. Review status: criteria provided, single submitter. Criteria: ACMG Guidelines, 2015. Collection method: clinical testing. Allele origin: germline. Inheritance: X-linked inheritance. Affected: yes. Observed: 1 compound heterozygote.
Comment: The c.44del variant has been reported in Leiden Open (source) Variation Database (LOVD) version 3.0 to be classified as pathogenic evidence.

NM_004006.3(DMD):c.44del (p.Asp15fs)

Gene: DMD (dystrophin; minus strand). Cytogenetic location: Xp21.1.
Variant type: Deletion.
Coding change: c.44del on transcript NM_004006.3 (MANE Select); coding-DNA position 44, one base deleted (A; older notation c.44delA).
Protein change: p.Asp15fs; shifts the reading frame from aspartic acid 15.
Molecular consequence: frameshift variant. On other transcripts: 5 prime UTR variant (1).
Genome position (GRCh38, 1-based): chrX:33,020,188, T deleted on the plus strand (A on the coding strand, the reverse complement: DMD is on the minus strand). VCF-style (leftmost placement, unchanged base first): chrX-33020187-AT-A. GRCh37 (hg19) VCF-style: chrX-33038304-AT-A.
Other names: c.20del, p.Asp7fs (NM_000109.4); c.32del, p.Asp11fs (NM_004009.3); c.-326del (NM_004010.3); short protein forms D11fs, D15fs, D7fs.
Identifiers: ClinVar variation 984683 (VCV000984683.11), dbSNP rs2093886453, ClinGen allele CA1139667380.